The following is an entry in ClinVar:

ClinVar aggregate classification (germline): Uncertain significance. Review status: criteria provided, multiple submitters, no conflicts (2 of 4 stars). 2 submissions from 2 submitters: Uncertain significance (2). Last evaluated 2024-06-10.

Conditions:
Progressive myoclonic epilepsy type 8. Identifiers: Orphanet 424027, MedGen C5190825, MONDO:0014545, OMIM 616230.

Allele frequency attached by ClinVar (database versions not stated): ExAC 0.00002; ESP Exome Variant Server 0.00016.
gnomAD v4.1: 38 of 1,612,698 alleles (0.0024%); highest among the groups gnomAD compares: Non-Finnish European, 0.00059%; no homozygotes.

Submissions (2):

Ambry Genetics
Classification: Uncertain significance. Last evaluated: 2024-06-10. Review status: criteria provided, single submitter. Criteria: Ambry Variant Classification Scheme 2023. Collection method: clinical testing. Allele origin: germline.

Labcorp Genetics (formerly Invitae), Labcorp
Classification: Uncertain significance for Progressive myoclonic epilepsy type 8. Last evaluated: 2022-08-09. Review status: criteria provided, single submitter. Criteria: Invitae Variant Classification Sherloc (09022015). Collection method: clinical testing. Allele origin: germline.
Comment: This sequence change replaces proline, which is neutral and non-polar, with threonine, which is neutral and polar, at codon 279 of the CERS1 protein (p.Pro279Thr). This variant is present in population databases (rs368072339, gnomAD 0.09%). Algorithms developed to predict the effect of missense changes on protein structure and function are either unavailable or do not agree on the potential impact of this missense change (SIFT: "Deleterious"; PolyPhen-2: "Probably Damaging"; Align-GVGD: "Class C0"). In summary, the available evidence is currently insufficient to determine the role of this variant in disease. Therefore, it has been classified as a Variant of Uncertain Significance. This variant has not been reported in the literature in individuals affected with CERS1-related conditions. ClinVar contains an entry for this variant (Variation ID: 1445214).

NM_021267.5(CERS1):c.835C>A (p.Pro279Thr)

Genes: CERS1 (ceramide synthase 1; minus strand), GDF1 (growth differentiation factor 1; minus strand). Cytogenetic location: 19p13.11.
Variant type: single nucleotide variant.
Coding change: c.835C>A on transcript NM_021267.5 (MANE Select); coding-DNA position 835, C replaced by A.
Protein change: p.Pro279Thr; replaces proline 279 with threonine.
Molecular consequence: missense variant. On other transcripts: 5 prime UTR variant (1), intron variant (1).
Genome position (GRCh38, 1-based): chr19:18,879,306, G>T on the plus strand (C>A on the coding strand, the complement: CERS1 is on the minus strand). VCF-style: chr19-18879306-G-T. GRCh37 (hg19) VCF-style: chr19-18990115-G-T.
Other names: c.541C>A, p.Pro181Thr (NM_001290265.2, NM_001387442.1, NM_001387443.1 and 2 more transcripts); c.835C>A, p.Pro279Thr (NM_001387439.1, NM_001387440.1, NM_198207.3); c.790C>A, p.Pro264Thr (NM_001387441.1); c.-488C>A (NM_001492.6); c.-313+4781C>A (NM_001387438.1); short protein forms P181T, P279T, P264T.
Identifiers: ClinVar variation 1445214 (VCV001445214.8), dbSNP rs368072339, ClinGen allele CA9318141.